The following is an entry in ClinVar:

NM_005886.3(KATNB1):c.1555G>A (p.Gly519Ser)

Gene: KATNB1 (katanin regulatory subunit B1; plus strand). Cytogenetic location: 16q21.
Variant type: single nucleotide variant.
Coding change: c.1555G>A on transcript NM_005886.3 (MANE Select); coding-DNA position 1555, G replaced by A.
Protein change: p.Gly519Ser; replaces glycine 519 with serine.
Molecular consequence: missense variant.
Genome position (GRCh38, 1-based): chr16:57,755,483, G>A. VCF-style: chr16-57755483-G-A. GRCh37 (hg19) VCF-style: chr16-57789395-G-A.
Other names: short protein forms G519S.
Identifiers: ClinVar variation 1713364 (VCV001713364.5), dbSNP rs2543425991, ClinGen allele CA396073337.

ClinVar aggregate classification (germline): Uncertain significance (1 of 4 stars; one submission).

Submission:

Labcorp Genetics (formerly Invitae), Labcorp
Classification: Uncertain significance. Last evaluated: 2025-09-02. Review status: criteria provided, single submitter. Criteria: Invitae Variant Classification Sherloc (09022015). Collection method: clinical testing. Allele origin: germline.
Comment: This sequence change replaces glycine, which is neutral and non-polar, with serine, which is neutral and polar, at codon 519 of the KATNB1 protein (p.Gly519Ser). This variant is not present in population databases (gnomAD no frequency). This variant has not been reported in the literature in individuals affected with KATNB1-related conditions. ClinVar contains an entry for this variant (Variation ID: 1713364). Invitae Evidence Modeling of protein sequence and biophysical properties (such as structural, functional, and spatial information, amino acid conservation, physicochemical variation, residue mobility, and thermodynamic stability) indicates that this missense variant is not expected to disrupt KATNB1 protein function with a negative predictive value of 95%. In summary, the available evidence is currently insufficient to determine the role of this variant in disease. Therefore, it has been classified as a Variant of Uncertain Significance.